The following is an entry in ClinVar:

NM_001035.3(RYR2):c.7115+1G>C

Gene: RYR2 (ryanodine receptor 2; plus strand). Cytogenetic location: 1q43.
Variant type: single nucleotide variant.
Coding change: c.7115+1G>C on transcript NM_001035.3 (MANE Select); the canonical splice donor site of the intron after coding-DNA position 7115, G replaced by C.
Molecular consequence: splice donor variant.
Genome position (GRCh38, 1-based): chr1:237,639,202, G>C. VCF-style: chr1-237639202-G-C. GRCh37 (hg19) VCF-style: chr1-237802502-G-C.
Identifiers: ClinVar variation 4728476 (VCV004728476.1).

ClinVar aggregate classification (germline): Uncertain significance (1 of 4 stars; one submission).

Conditions:
Catecholaminergic polymorphic ventricular tachycardia 1. Also called: VENTRICULAR TACHYCARDIA, CATECHOLAMINERGIC POLYMORPHIC, 1, WITH OR WITHOUT ATRIAL DYSFUNCTION AND/OR DILATED CARDIOMYOPATHY; RYR2-Related Catecholaminergic Polymorphic Ventricular Tachycardia; VENTRICULAR TACHYCARDIA, STRESS-INDUCED POLYMORPHIC 1. Identifiers: Orphanet 3286, MedGen C1631597, MONDO:0011484, OMIM 604772.

Submission:

Labcorp Genetics (formerly Invitae), Labcorp
Classification: Uncertain significance for Catecholaminergic polymorphic ventricular tachycardia 1. Last evaluated: 2025-10-05. Review status: criteria provided, single submitter. Criteria: Invitae Variant Classification Sherloc (09022015). Collection method: clinical testing. Allele origin: germline.
Comment: This sequence change affects a donor splice site in intron 46 of the RYR2 gene. It is expected to disrupt RNA splicing. Variants that disrupt the donor or acceptor splice site typically lead to a loss of protein function (PMID: 16199547), however the current clinical and genetic evidence is not sufficient to establish whether loss-of-function variants in RYR2 cause disease. This variant is not present in population databases (gnomAD no frequency). This variant has not been reported in the literature in individuals affected with RYR2-related conditions. Algorithms developed to predict the effect of sequence changes on RNA splicing suggest that this variant may disrupt the consensus splice site. In summary, the available evidence is currently insufficient to determine the role of this variant in disease. Therefore, it has been classified as a Variant of Uncertain Significance.

Literature cited by the submitters: PubMed 16199547.